The following is an entry in ClinVar:

ClinVar aggregate classification (germline): Likely pathogenic (1 of 4 stars; one submission).

Conditions:
Immunodeficiency 98 with autoinflammation, X-linked (IMD98). Also called: INFLAMMATION, NEUTROPENIA, BONE MARROW FAILURE, AND LYMPHOPROLIFERATION CAUSED BY TLR8. Identifiers: Orphanet 675628, MedGen C5676883, MONDO:0024777, OMIM 301078.

Submission:

Clinical Genomics Laboratory, Washington University in St. Louis
Classification: Likely pathogenic for Immunodeficiency 98 with autoinflammation, X-linked. Last evaluated: 2025-05-24. Review status: criteria provided, single submitter. Criteria: Leon-Quintero et al. (Clin Genet. 2025). Collection method: clinical testing. Allele origin: somatic. Affected: yes.
Comment: A TLR8 c.1481T>A (p.Phe494Tyr) variant was identified at an allelic fraction consistent with somatic origin. This variant, to our knowledge, has not been reported in the medical literature. This variant is absent from the general population (gnomAD v4.1.0), indicating it is not a common variant. This variant resides within the lysine rich region 8 of TLR8 that is defined as a critical functional domain (Gibbard RJ et al., PMID: 16857668). Another variant in the same codon, c.1482C>A (p.Phe494Leu), has been reported in a somatic state in an individual with an inborn error of immunity and was classified as pathogenic (Aluri J et al., PMID: 33512449, ClinVar Variation ID: 1172679). Based on available information and an internally developed protocol informed by the ACMG/AMP guidelines for variant interpretation and gene-specific practices from the ClinGen Criteria Specification Registry (Leon-Quintero FZ et al., PMID: 39434542), the TLR8 c.1481T>A (p.Phe494Tyr) variant is classified as likely pathogenic.

NM_138636.5(TLR8):c.1481T>A (p.Phe494Tyr)

Genes: TLR8 (toll like receptor 8; plus strand), TLR8-AS1 (TLR8 antisense RNA 1; minus strand). Cytogenetic location: Xp22.2.
Variant type: single nucleotide variant.
Coding change: c.1481T>A on transcript NM_138636.5 (MANE Select); coding-DNA position 1481, T replaced by A.
Protein change: p.Phe494Tyr; replaces phenylalanine 494 with tyrosine.
Molecular consequence: missense variant.
Genome position (GRCh38, 1-based): chrX:12,920,521, T>A. VCF-style: chrX-12920521-T-A. GRCh37 (hg19) VCF-style: chrX-12938640-T-A.
Other names: c.1535T>A, p.Phe512Tyr (NM_016610.4); short protein forms F494Y, F512Y.
Identifiers: ClinVar variation 4279980 (VCV004279980.1).